The following is an entry in ClinVar:

NM_004990.4(MARS1):c.661G>A (p.Glu221Lys)

Gene: MARS1 (methionyl-tRNA synthetase 1; plus strand). Cytogenetic location: 12q13.3.
Variant type: single nucleotide variant.
Coding change: c.661G>A on transcript NM_004990.4 (MANE Select); coding-DNA position 661, G replaced by A.
Protein change: p.Glu221Lys; replaces glutamic acid 221 with lysine.
Molecular consequence: missense variant.
Genome position (GRCh38, 1-based): chr12:57,490,377, G>A. VCF-style: chr12-57490377-G-A. GRCh37 (hg19) VCF-style: chr12-57884160-G-A.
Other names: short protein forms E221K.
Identifiers: ClinVar variation 420243 (VCV000420243.15), dbSNP rs200334446, ClinGen allele CA6650233.

ClinVar aggregate classification (germline): Conflicting classifications of pathogenicity. Review status: criteria provided, conflicting classifications (1 of 4 stars). 5 submissions from 5 submitters: Uncertain significance (4); Likely benign (1). Last evaluated 2026-04-03.

Conditions:
MARS1-related disorder. Also called: MARS1-related condition.
Charcot-Marie-Tooth disease axonal type 2U. Also called: CHARCOT-MARIE-TOOTH DISEASE, AXONAL, AUTOSOMAL DOMINANT, TYPE 2U; CHARCOT-MARIE-TOOTH NEUROPATHY, TYPE 2U. Identifiers: Orphanet 397735, MedGen C4084821, MONDO:0014566, OMIM 616280.
Severe early-onset pulmonary alveolar proteinosis due to MARS deficiency. Also called: PULMONARY ALVEOLAR PROTEINOSIS, REUNION ISLAND; Interstitial lung and liver disease. Identifiers: Orphanet 440427, MedGen C4225400, MONDO:0014206, OMIM 615486.

Allele frequency attached by ClinVar (database versions not stated): ESP Exome Variant Server 0.00008; ExAC 0.00011; gnomAD exomes 0.00013 and 0.00044; gnomAD 0.00016; TOPMed 0.00020.
gnomAD v4.1: 671 of 1,612,464 alleles (0.042%); highest among the groups gnomAD compares: Non-Finnish European, 0.053%; no homozygotes.

Submissions (5):

PreventionGenetics, part of Exact Sciences
Classification: Uncertain significance for MARS1-related condition. Last evaluated: 2026-04-03. Review status: criteria provided, single submitter. Criteria: ACMG Guidelines, 2015. Collection method: clinical testing. Allele origin: germline.
Comment: The MARS1 c.661G>A variant is predicted to result in the amino acid substitution p.Glu221Lys. To our knowledge, this variant has not been reported in the literature. This variant is reported in 0.030% of alleles in individuals of European (Non-Finnish) descent in gnomAD, which may be too frequent to be a primary cause of disease. Although we suspect that this variant may be benign, at this time, the clinical significance of this variant is uncertain due to the absence of conclusive functional and genetic evidence.

Labcorp Genetics (formerly Invitae), Labcorp
Classification: Uncertain significance for Charcot-Marie-Tooth disease axonal type 2U; Severe early-onset pulmonary alveolar proteinosis due to MARS deficiency. Last evaluated: 2026-01-12. Review status: criteria provided, single submitter. Criteria: Invitae Variant Classification Sherloc (09022015). Collection method: clinical testing. Allele origin: germline.
Comment: This sequence change replaces glutamic acid, which is acidic and polar, with lysine, which is basic and polar, at codon 221 of the MARS protein (p.Glu221Lys). This variant is present in population databases (rs200334446, gnomAD 0.03%). This variant has not been reported in the literature in individuals affected with MARS-related conditions. ClinVar contains an entry for this variant (Variation ID: 420243). An algorithm developed to predict the effect of missense changes on protein structure and function (PolyPhen-2) suggests that this variant is likely to be tolerated. In summary, the available evidence is currently insufficient to determine the role of this variant in disease. Therefore, it has been classified as a Variant of Uncertain Significance.

Women's Health and Genetics/Laboratory Corporation of America, LabCorp
Classification: Uncertain significance. Last evaluated: 2025-10-09. Review status: criteria provided, single submitter. Criteria: LabCorp Variant Classification Summary - May 2015. Collection method: clinical testing. Allele origin: germline.
Comment: Variant summary: MARS1 c.661G>A (p.Glu221Lys) results in a conservative amino acid change in the encoded protein sequence. Algorithms developed to predict the effect of missense changes on protein structure and function are either unavailable or do not agree on the potential impact of this missense change. Consensus agreement among computation tools predict no significant impact on normal splicing. However, these predictions have yet to be confirmed by functional studies. The variant allele was found at a frequency of 0.00015 in 282240 control chromosomes. This frequency is not significantly higher than estimated for disease-causing variants in MARS1, allowing no conclusion about variant significance. To our knowledge, no occurrence of c.661G>A in individuals affected with MARS1-related conditions and no experimental evidence demonstrating its impact on protein function have been reported. ClinVar contains an entry for this variant (Variation ID: 420243). Based on the evidence outlined above, the variant was classified as uncertain significance.

Ambry Genetics
Classification: Likely benign. Last evaluated: 2020-08-26. Review status: criteria provided, single submitter. Criteria: Ambry Variant Classification Scheme 2023. Collection method: clinical testing. Allele origin: germline.

GeneDx
Classification: Uncertain significance. Last evaluated: 2018-02-15. Review status: criteria provided, single submitter. Criteria: GeneDx Variant Classification (06012015). Collection method: clinical testing. Allele origin: germline. Affected: yes.
Comment: The E221K variant has not been published as a pathogenic variant, nor has it been reported as a benign variant to our knowledge. The E221K variant is observed in 12/66534 (0.02%) alleles from individuals of European background, in the ExAC dataset (Lek et al., 2016). The E221K variant is a non-conservative amino acid substitution, which is likely to impact secondary protein structure as these residues differ in polarity, charge, size and/or other properties. This substitution occurs at a position where amino acids with similar properties to Glutamic Acid are tolerated across species. In silico analysis is inconsistent in its predictions as to whether or not the variant is damaging to the protein structure/function. In summary, based on the currently available information, it is unclear whether this variant is a pathogenic variant or a rare benign variant.